The following is an entry in ClinVar:

ClinVar aggregate classification (germline): Uncertain significance. Review status: criteria provided, multiple submitters, no conflicts (2 of 4 stars). 3 submissions from 3 submitters: Uncertain significance (3). Last evaluated 2024-10-06.

Allele frequency attached by ClinVar (database versions not stated): gnomAD 0.00001; TOPMed 0.00002.
gnomAD v4.1: 26 of 1,613,844 alleles (0.0016%); highest among the groups gnomAD compares: East Asian, 0.011%; no homozygotes.

Submissions (3):

GeneDx
Classification: Uncertain significance. Last evaluated: 2024-10-06. Review status: criteria provided, single submitter. Criteria: GeneDx Variant Classification Process June 2021. Collection method: clinical testing. Allele origin: germline. Affected: yes.
Comment: In silico analysis supports that this missense variant has a deleterious effect on protein structure/function; Has not been previously published as pathogenic or benign to our knowledge

Labcorp Genetics (formerly Invitae), Labcorp
Classification: Uncertain significance. Last evaluated: 2023-05-15. Review status: criteria provided, single submitter. Criteria: Invitae Variant Classification Sherloc (09022015). Collection method: clinical testing. Allele origin: germline.
Comment: In summary, the available evidence is currently insufficient to determine the role of this variant in disease. Therefore, it has been classified as a Variant of Uncertain Significance. An algorithm developed to predict the effect of missense changes on protein structure and function (PolyPhen-2) suggests that this variant¬† is likely to be tolerated. This sequence change replaces arginine, which is basic and polar, with cysteine, which is neutral and slightly polar, at codon 1486 of the RUSC2 protein (p.Arg1486Cys). The frequency data for this variant in the population databases is considered unreliable, as metrics indicate poor data quality at this position in the gnomAD database. This variant has not been reported in the literature in individuals affected with RUSC2-related conditions. ClinVar contains an entry for this variant (Variation ID: 1407837).

Ambry Genetics
Classification: Uncertain significance. Last evaluated: 2022-05-11. Review status: criteria provided, single submitter. Criteria: Ambry Variant Classification Scheme 2023. Collection method: clinical testing. Allele origin: germline.

NM_014806.5(RUSC2):c.4456C>T (p.Arg1486Cys)

Gene: RUSC2 (RUN and SH3 domain containing 2; plus strand). Cytogenetic location: 9p13.3.
Variant type: single nucleotide variant.
Coding change: c.4456C>T on transcript NM_014806.5 (MANE Select); coding-DNA position 4456, C replaced by T.
Protein change: p.Arg1486Cys; replaces arginine 1486 with cysteine.
Molecular consequence: missense variant. On other transcripts: non-coding transcript variant (1).
Genome position (GRCh38, 1-based): chr9:35,561,287, C>T. VCF-style: chr9-35561287-C-T. GRCh37 (hg19) VCF-style: chr9-35561284-C-T.
Other names: c.4456C>T, p.Arg1486Cys (NM_001135999.2); c.1822C>T, p.Arg608Cys (NM_001330740.2); c.4456C>T (NM_001135999.1); short protein forms R1486C, R608C.
Identifiers: ClinVar variation 1407837 (VCV001407837.8), dbSNP rs751431040, ClinGen allele CA5044410.